The following is an entry in ClinVar:

ClinVar aggregate classification (germline): Uncertain significance (1 of 4 stars; one submission).

Conditions:
Congenital muscular hypertrophy-cerebral syndrome (CDLS2). Also called: SMC1A-Related Cornelia de Lange Syndrome; Cornelia de Lange syndrome 2. Identifiers: Orphanet 199, MedGen C1802395, MONDO:0010370, OMIM 300590.

Submission:

Labcorp Genetics (formerly Invitae), Labcorp
Classification: Uncertain significance for Congenital muscular hypertrophy-cerebral syndrome. Last evaluated: 2025-01-19. Review status: criteria provided, single submitter. Criteria: Invitae Variant Classification Sherloc (09022015). Collection method: clinical testing. Allele origin: germline.
Comment: This sequence change replaces lysine, which is basic and polar, with glutamine, which is neutral and polar, at codon 854 of the SMC1A protein (p.Lys854Gln). This variant is not present in population databases (gnomAD no frequency). This variant has not been reported in the literature in individuals affected with SMC1A-related conditions. ClinVar contains an entry for this variant (Variation ID: 2854063). An algorithm developed to predict the effect of missense changes on protein structure and function (PolyPhen-2) suggests that this variant is likely to be tolerated. In summary, the available evidence is currently insufficient to determine the role of this variant in disease. Therefore, it has been classified as a Variant of Uncertain Significance.

NM_006306.4(SMC1A):c.2560A>C (p.Lys854Gln)

Gene: SMC1A (structural maintenance of chromosomes 1A; minus strand). Cytogenetic location: Xp11.22.
Variant type: single nucleotide variant.
Coding change: c.2560A>C on transcript NM_006306.4 (MANE Select); coding-DNA position 2560, A replaced by C.
Protein change: p.Lys854Gln; replaces lysine 854 with glutamine.
Molecular consequence: missense variant.
Genome position (GRCh38, 1-based): chrX:53,399,591, T>G on the plus strand (A>C on the coding strand, the complement: SMC1A is on the minus strand). VCF-style: chrX-53399591-T-G. GRCh37 (hg19) VCF-style: chrX-53426513-T-G.
Other names: c.2494A>C, p.Lys832Gln (NM_001281463.1); short protein forms K854Q, K832Q.
Identifiers: ClinVar variation 2854063 (VCV002854063.3), dbSNP rs2520904318, ClinGen allele CA413250022.